The following is an entry in ClinVar:

ClinVar aggregate classification (germline): Benign. Review status: criteria provided, multiple submitters, no conflicts (2 of 4 stars). 6 submissions from 6 submitters: Benign (5). 1 of the submissions does not count toward it. Last evaluated 2026-02-04.

Conditions:
Abetalipoproteinaemia (ABL). Also called: MTP DEFICIENCY; Abetalipoproteinemia; Abetalipoproteinemia neuropathy; Apolipoprotein B deficiency; Congenital betalipoprotein deficiency syndrome. Identifiers: Orphanet 14, MedGen C0000744, MONDO:0008692, OMIM 200100, HP:0008181.

Allele frequency attached by ClinVar (database versions not stated): gnomAD exomes 0.04227 and 0.04370; ExAC 0.04601; gnomAD 0.07040 and 0.07357; 1000 Genomes Project 0.07069; 1000 Genomes Project 30x 0.07261; TOPMed 0.07467; ESP Exome Variant Server 0.07843.
gnomAD v4.1: 72,518 of 1,606,666 alleles (4.5%); highest among the groups gnomAD compares: African/African-American, 16%; 2,323 homozygotes.

Submissions (6):

Labcorp Genetics (formerly Invitae), Labcorp
Classification: Benign. Last evaluated: 2026-02-04. Review status: criteria provided, single submitter. Criteria: Invitae Variant Classification Sherloc (09022015). Collection method: clinical testing. Allele origin: germline.

Mayo Clinic Laboratories, Mayo Clinic
Classification: Benign. Last evaluated: 2022-04-26. Review status: criteria provided, single submitter. Criteria: ACMG Guidelines, 2015. Collection method: clinical testing. Allele origin: germline. Observed: 148 variant alleles.

GeneDx
Classification: Benign. Last evaluated: 2018-09-21. Review status: criteria provided, single submitter. Criteria: GeneDx Variant Classification Process June 2021. Collection method: clinical testing. Allele origin: germline. Affected: yes.

Illumina Laboratory Services, Illumina
Classification: Benign for Abetalipoproteinaemia. Last evaluated: 2018-01-12. Review status: criteria provided, single submitter. Criteria: ICSL Variant Classification Criteria 13 December 2019. Collection method: clinical testing. Allele origin: germline.
Comment: This variant was observed in the ICSL laboratory as part of a predisposition screen in an ostensibly healthy population. It had not been previously curated by ICSL or reported in the Human Gene Mutation Database (HGMD: prior to June 1st, 2018), and was therefore a candidate for classification through an automated scoring system. Utilizing variant allele frequency, disease prevalence and penetrance estimates, and inheritance mode, an automated score was calculated to assess if this variant is too frequent to cause the disease. Based on the score and internal cut-off values, a variant classified as benign is not then subjected to further curation. The score for this variant resulted in a classification of benign for this disease.

Breakthrough Genomics
Classification: Benign. Review status: criteria provided, single submitter. Criteria: ACMG Guidelines, 2015. Collection method: not provided. Allele origin: germline. Inheritance: Autosomal recessive inheritance. Affected: yes.

Natera, Inc.
Classification: Benign for Abetalipoproteinemia. Last evaluated: 2019-11-22. Review status: no assertion criteria provided. Collection method: clinical testing. Allele origin: germline. Not counted in ClinVar's aggregate classification.

NM_001386140.1(MTTP):c.1769+9C>T

Gene: MTTP (microsomal triglyceride transfer protein; plus strand). Cytogenetic location: 4q23.
Variant type: single nucleotide variant.
Coding change: c.1769+9C>T on transcript NM_001386140.1 (MANE Select); 9 bases into the intron after coding-DNA position 1769, C replaced by T.
Molecular consequence: intron variant.
Genome position (GRCh38, 1-based): chr4:99,608,986, C>T. VCF-style: chr4-99608986-C-T. GRCh37 (hg19) VCF-style: chr4-100530143-C-T.
Other names: p.?; c.1769+9C>T (NM_000253.4, NM_000253.3); c.1520+9C>T (NM_001300785.2).
Identifiers: ClinVar variation 347037 (VCV000347037.18), dbSNP rs34734558, ClinGen allele CA3022170.
Genomic context (GRCh38, chr4:99,608,986, plus strand): 5'-AATACATGCTCGCCATTGTTCAAGACATCCTACGTTTTGAAATGCCTGCAAGGTATAATA[C>T]ATTGCACATGTCTCTCTGTGTATTCAAGCTTATTTGTGTGTTCATGGGGTACCGATGTAG-3'